The following is an entry in ClinVar:

ClinVar aggregate classification (germline): Pathogenic (1 of 4 stars; one submission).

Conditions:
Familial adenomatous polyposis 1 (FAP1). Also called: FAMILIAL ADENOMATOUS POLYPOSIS 1, ATTENUATED; POLYPOSIS, ADENOMATOUS INTESTINAL. Identifiers: MedGen C2713442, MONDO:0021056, OMIM 175100. Disease mechanism: loss of function.

Submission:

Labcorp Genetics (formerly Invitae), Labcorp
Classification: Pathogenic for Familial adenomatous polyposis 1. Last evaluated: 2018-09-04. Review status: criteria provided, single submitter. Criteria: Invitae Variant Classification Sherloc (09022015). Collection method: clinical testing. Allele origin: germline.
Comment: For these reasons, this variant has been classified as Pathogenic. This variant is expected to disrupt the EB1 and HDLG binding sites, which mediate interactions with the cytoskeleton (PMID: 15311282, 17293347). While functional studies have not been performed to directly test the effect on APC protein function, this suggests that disruption of the C-terminal portion of the protein is functionally important. This variant is not present in population databases (ExAC no frequency). This sequence change results in a premature translational stop signal in the APC gene (p.Leu1506*). While this is not anticipated to result in nonsense mediated decay, it is expected to disrupt the last 1338 amino acids of the APC protein. A different truncation (p.Glu1538Ilefs*5) that lies downstream of this variant has been determined to be pathogenic (PMID: 8162051, 20223039, 20513532, 20685668, 21643010, 21779980). This suggests that deletion of this region of the APC protein is causative of disease. This variant has not been reported in the literature in individuals with APC-related disease.

Literature cited by the submitters: PubMed 15311282; PubMed 17293347; PubMed 8162051; PubMed 20223039; PubMed 20513532; PubMed 20685668; PubMed 21643010; PubMed 21779980.

NM_000038.6(APC):c.4516del (p.Ser1505_Leu1506insTer)

Gene: APC (APC regulator of Wnt signaling pathway; plus strand). Cytogenetic location: 5q22.2.
Variant type: Deletion.
Coding change: c.4516del on transcript NM_000038.6 (MANE Select); coding-DNA position 4516, one base deleted (C; older notation c.4516delC).
Protein change: p.Ser1505_Leu1506insTer.
Molecular consequence: nonsense.
Genome position (GRCh38, 1-based): chr5:112,840,110, C deleted; the last of 2 consecutive C bases (chr5:112,840,109-112,840,110); deleting either gives the same sequence. VCF-style (leftmost placement, unchanged base first): chr5-112840108-GC-G. GRCh37 (hg19) VCF-style: chr5-112175805-GC-G.
Other names: c.4516del, p.Ser1505_Leu1506insTer (NM_001127510.3, NM_001354895.2); c.4462del, p.Ser1487_Leu1488insTer (NM_001127511.3); c.4570del, p.Ser1523_Leu1524insTer (NM_001354896.2); c.4546del, p.Ser1515_Leu1516insTer (NM_001354897.2); c.4441del, p.Ser1480_Leu1481insTer (NM_001354898.2); c.4432del, p.Ser1477_Leu1478insTer (NM_001354899.2); c.4393del, p.Ser1464_Leu1465insTer (NM_001354900.2); c.4339del, p.Ser1446_Leu1447insTer (NM_001354901.2); and 5 more.
Identifiers: ClinVar variation 662242 (VCV000662242.10), dbSNP rs1580649145, ClinGen allele CA915943493.